The following is an entry in ClinVar:

ClinVar aggregate classification (germline): Conflicting classifications of pathogenicity. Review status: criteria provided, conflicting classifications (1 of 4 stars). 4 submissions from 4 submitters: Uncertain significance (1); Likely benign (3). Last evaluated 2026-02-03.

Conditions:
Arrhythmogenic right ventricular dysplasia 8 (ARVD8). Also called: Arrhythmogenic Right Ventricular Dysplasia/Cardiomyopathy 8; ARRHYTHMOGENIC RIGHT VENTRICULAR DYSPLASIA, FAMILIAL, 8; ARRHYTHMOGENIC RIGHT VENTRICULAR CARDIOMYOPATHY 8. Identifiers: MedGen C1843896, MONDO:0011831, OMIM 607450.
Arrhythmogenic cardiomyopathy with wooly hair and keratoderma. Also called: Carvajal syndrome; Dilated cardiomyopathy with woolly hair and keratoderma; Arrhythmogenic cardiomyopathy with woolly hair and keratoderma; PALMOPLANTAR KERATODERMA WITH LEFT VENTRICULAR CARDIOMYOPATHY AND WOOLLY HAIR. Identifiers: Orphanet 65282, MedGen C1854063, MONDO:0011581, OMIM 605676.
Cardiovascular phenotype. Identifiers: MedGen CN230736.
Cardiomyopathy (CMYO). Also called: Cardiomyopathies. Identifiers: Orphanet 167848, MedGen C0878544, MONDO:0004994, HP:0001638. Inheritance: Various modes of inheritance.

Allele frequency attached by ClinVar (database versions not stated): gnomAD exomes 0.00002 and 0.00003; TOPMed 0.00002; gnomAD 0.00003.
gnomAD v4.1: 44 of 1,614,068 alleles (0.0027%); highest among the groups gnomAD compares: Non-Finnish European, 0.0035%; no homozygotes.

Submissions (4):

Labcorp Genetics (formerly Invitae), Labcorp
Classification: Likely benign for Arrhythmogenic cardiomyopathy with wooly hair and keratoderma; Arrhythmogenic right ventricular dysplasia 8. Last evaluated: 2026-02-03. Review status: criteria provided, single submitter. Criteria: Invitae Variant Classification Sherloc (09022015). Collection method: clinical testing. Allele origin: germline.

Color Diagnostics, LLC DBA Color Health
Classification: Likely benign for Cardiomyopathy. Last evaluated: 2025-09-04. Review status: criteria provided, single submitter. Criteria: ACMG Guidelines, 2015. Collection method: clinical testing. Allele origin: germline.

Ambry Genetics
Classification: Likely benign for Cardiovascular phenotype. Last evaluated: 2025-05-23. Review status: criteria provided, single submitter. Criteria: Ambry Variant Classification Scheme 2023. Collection method: clinical testing. Allele origin: germline.

GeneDx
Classification: Uncertain significance. Last evaluated: 2025-01-09. Review status: criteria provided, single submitter. Criteria: GeneDx Variant Classification Process June 2021. Collection method: clinical testing. Allele origin: germline. Affected: yes.
Comment: Identified in a patient with HCM in published literature (PMID: 25351510); In silico analysis indicates that this missense variant does not alter protein structure/function; This variant is associated with the following publications: (PMID: 25351510)

Literature cited by the submitters: PubMed 25351510 (cited by Ambry Genetics).

NM_004415.4(DSP):c.4387G>A (p.Val1463Ile)

Gene: DSP (desmoplakin; plus strand). Cytogenetic location: 6p24.3.
Variant type: single nucleotide variant.
Coding change: c.4387G>A on transcript NM_004415.4 (MANE Select); coding-DNA position 4387, G replaced by A.
Protein change: p.Val1463Ile; replaces valine 1463 with isoleucine.
Molecular consequence: missense variant. On other transcripts: intron variant (2).
Genome position (GRCh38, 1-based): chr6:7,580,577, G>A. VCF-style: chr6-7580577-G-A. GRCh37 (hg19) VCF-style: chr6-7580810-G-A.
Other names: c.4050+337G>A (NM_001319034.2); c.3582+805G>A (NM_001008844.3); c.4387G>A (LRG_423t1); short protein forms V1463I.
Identifiers: ClinVar variation 570736 (VCV000570736.17), dbSNP rs948230523, ClinGen allele CA133969665.